The following is an entry in ClinVar:

NM_000169.3(GLA):c.1101C>T (p.Ile367=)

Genes: GLA (galactosidase alpha; minus strand), RPL36A-HNRNPH2 (RPL36A-HNRNPH2 readthrough; plus strand). Cytogenetic location: Xq22.1.
Variant type: single nucleotide variant.
Coding change: c.1101C>T on transcript NM_000169.3 (MANE Select); coding-DNA position 1101, C replaced by T.
Protein change: p.Ile367=; no amino-acid change (isoleucine 367 retained).
Molecular consequence: synonymous variant. On other transcripts: non-coding transcript variant (3), intron variant (2).
Genome position (GRCh38, 1-based): chrX:101,397,998, G>A on the plus strand (C>T on the coding strand, the complement: GLA is on the minus strand). VCF-style: chrX-101397998-G-A. GRCh37 (hg19) VCF-style: chrX-100652986-G-A.
Other names: c.1224C>T, p.Ile408= (NM_001406747.1); c.300+2541G>A (NM_001199973.2); c.177+6176G>A (NM_001199974.2).
Identifiers: ClinVar variation 1098158 (VCV001098158.12), dbSNP rs1928129537, ClinGen allele CA517736489.
Genomic context (GRCh38, chrX:101,397,998, plus strand): 5'-GAGCTGTGTGATGAAGCAGGCAGGATTACAGGCCACTCCTTTACCCAGGGAAGCAACTGC[G>A]ATGGTATAAGAGCGAGGTCCACCAATCTCCTGCCGGTTTATCATAGCTACAGCCCAGGCT-3'
Protein context (NP_000160.1, residues 357-377): QEIGGPRSYT[Ile367=]AVASLGKGVA

ClinVar aggregate classification (germline): Conflicting classifications of pathogenicity. Review status: criteria provided, conflicting classifications (1 of 4 stars). 3 submissions from 3 submitters: Uncertain significance (1); Likely benign (2). Last evaluated 2025-09-19.

Conditions:
Cardiovascular phenotype. Identifiers: MedGen CN230736.
Fabry disease. Also called: Angiokeratoma corporis diffusum; Ceramide trihexosidosis; Fabry's disease; ALPHA-GALACTOSIDASE A DEFICIENCY; ANDERSON-FABRY DISEASE; CERAMIDE TRIHEXOSIDASE DEFICIENCY. Identifiers: Orphanet 324, MedGen C0002986, MONDO:0010526, OMIM 301500, HP:0001071. Disease mechanism: Fabry disease is due to inactivating mutations in the X-linked GLA gene resulting in deficiency of the enzyme Alpha Galactosidase-A., loss of function.

Allele frequency attached by ClinVar (database versions not stated): gnomAD exomes below 0.00001; TOPMed 0.00001.
gnomAD v4.1: 1 of 1,209,508 alleles (0.000083%); highest among the groups gnomAD compares: Non-Finnish European, 0.00011%; no homozygotes.

Submissions (3):

Labcorp Genetics (formerly Invitae), Labcorp
Classification: Likely benign for Fabry disease. Last evaluated: 2025-09-19. Review status: criteria provided, single submitter. Criteria: Invitae Variant Classification Sherloc (09022015). Collection method: clinical testing. Allele origin: germline.

All of Us Research Program, National Institutes of Health
Classification: Uncertain significance for Fabry disease. Last evaluated: 2023-05-04. Review status: criteria provided, single submitter. Criteria: ACMG Guidelines, 2015. Collection method: clinical testing. Allele origin: germline. Inheritance: X-linked inheritance. Observed: 1 variant allele, 1 heterozygote.
Comment: This variant is located in the GLA protein. To our knowledge, functional studies have not been reported for this variant. This variant has not been reported in individuals affected with GLA-related disorders in the literature. This variant has not been identified in the general population by the Genome Aggregation Database (gnomAD). The available evidence is insufficient to determine the role of this variant in disease conclusively. Therefore, this variant is classified as a Variant of Uncertain Significance.

This study involves interpretation of variants in research participants for the purpose of population health screening. Participant phenotype was not available at the time of variant classification. Additional details can be found in publication PMID: 35346344, PMCID: PMC8962531

Ambry Genetics
Classification: Likely benign for Cardiovascular phenotype. Last evaluated: 2022-02-16. Review status: criteria provided, single submitter. Criteria: Ambry Variant Classification Scheme 2023. Collection method: clinical testing. Allele origin: germline.